The following is an entry in ClinVar:

NM_032242.4(PLXNA1):c.2411-3C>G

Gene: PLXNA1 (plexin A1; plus strand). Cytogenetic location: 3q21.3.
Variant type: single nucleotide variant.
Coding change: c.2411-3C>G on transcript NM_032242.4 (MANE Select); 3 bases into the intron before coding-DNA position 2411, C replaced by G.
Molecular consequence: intron variant.
Genome position (GRCh38, 1-based): chr3:127,014,179, C>G. VCF-style: chr3-127014179-C-G. GRCh37 (hg19) VCF-style: chr3-126733022-C-G.
Identifiers: ClinVar variation 3350221 (VCV003350221.1).

ClinVar aggregate classification (germline): Uncertain significance (0 of 4 stars; one submission).

Conditions:
PLXNA1-related disorder. Also called: PLXNA1-related condition.

Submission:

PreventionGenetics, part of Exact Sciences
Classification: Uncertain significance for PLXNA1-related condition. Last evaluated: 2023-11-17. Review status: no assertion criteria provided. Collection method: clinical testing. Allele origin: germline.
Comment: The PLXNA1 c.2411-3C>G variant is predicted to interfere with splicing. To our knowledge, this variant has not been reported in the literature or in a large population database, indicating this variant is rare. At this time, the clinical significance of this variant is uncertain due to the absence of conclusive functional and genetic evidence.